The following is an entry in ClinVar:

NM_177438.3(DICER1):c.772G>A (p.Gly258Arg)

Gene: DICER1 (dicer 1, ribonuclease III; minus strand). Cytogenetic location: 14q32.13.
Variant type: single nucleotide variant.
Coding change: c.772G>A on transcript NM_177438.3 (MANE Select); coding-DNA position 772, G replaced by A.
Protein change: p.Gly258Arg; replaces glycine 258 with arginine.
Molecular consequence: missense variant. On other transcripts: 5 prime UTR variant (1), non-coding transcript variant (6).
Genome position (GRCh38, 1-based): chr14:95,126,711, C>T on the plus strand (G>A on the coding strand, the complement: DICER1 is on the minus strand). VCF-style: chr14-95126711-C-T. GRCh37 (hg19) VCF-style: chr14-95593048-C-T.
Other names: c.367G>A, p.Gly123Arg (NM_001395690.1, NM_001395698.1, NM_001395696.1 and 3 more transcripts); c.205G>A, p.Gly69Arg (NM_001395691.1); c.772G>A, p.Gly258Arg (NM_001395692.1, NM_001395695.1, NM_001395694.1 and 14 more transcripts); c.-797G>A (NM_001395697.1); c.490G>A, p.Gly164Arg (NM_001395686.1); short protein forms G123R, G164R, G258R, G69R.
Identifiers: ClinVar variation 4011687 (VCV004011687.1).

ClinVar aggregate classification (germline): Uncertain significance (1 of 4 stars; one submission).

Conditions:
Hereditary cancer-predisposing syndrome. Also called: Tumor predisposition; Hereditary neoplastic syndrome; Neoplastic Syndromes, Hereditary; Hereditary Cancer Syndrome. Identifiers: Orphanet 140162, MedGen C0027672, MeSH D009386, MONDO:0015356.

Submission:

Ambry Genetics
Classification: Uncertain significance for Hereditary cancer-predisposing syndrome. Last evaluated: 2025-06-05. Review status: criteria provided, single submitter. Criteria: Ambry Variant Classification Scheme 2023. Collection method: clinical testing. Allele origin: germline.
Comment: The p.G258R variant (also known as c.772G>A), located in coding exon 6 of the DICER1 gene, results from a G to A substitution at nucleotide position 772. The glycine at codon 258 is replaced by arginine, an amino acid with dissimilar properties. This amino acid position is conserved. In addition, the in silico prediction for this alteration is inconclusive. Based on the available evidence, the clinical significance of this variant remains unclear.